The following is an entry in ClinVar:

NM_001042492.3(NF1):c.4200C>G (p.Asn1400Lys)

Gene: NF1 (neurofibromin 1; plus strand). Cytogenetic location: 17q11.2.
Variant type: single nucleotide variant.
Coding change: c.4200C>G on transcript NM_001042492.3 (MANE Select); coding-DNA position 4200, C replaced by G.
Protein change: p.Asn1400Lys; replaces asparagine 1400 with lysine.
Molecular consequence: missense variant.
Genome position (GRCh38, 1-based): chr17:31,258,370, C>G. VCF-style: chr17-31258370-C-G. GRCh37 (hg19) VCF-style: chr17-29585388-C-G.
Other names: c.4137C>G, p.Asn1379Lys (NM_000267.4); short protein forms N1379K, N1400K.
Identifiers: ClinVar variation 2145484 (VCV002145484.5), dbSNP rs2151461842, ClinGen allele CA398997615.

ClinVar aggregate classification (germline): Uncertain significance. Review status: criteria provided, multiple submitters, no conflicts (2 of 4 stars). 2 submissions from 2 submitters: Uncertain significance (2). Last evaluated 2025-05-19.

Conditions:
Neurofibromatosis, type 1 (NF1). Also called: Neurofibromatosis, type I; VON RECKLINGHAUSEN DISEASE; Peripheral type neurofibromatosis; NEUROFIBROMATOSIS, TYPE I, SOMATIC. Identifiers: Orphanet 636, MedGen C0027831, MONDO:0018975, OMIM 162200. Disease mechanism: loss of function.

Submissions (2):

Quest Diagnostics Nichols Institute San Juan Capistrano
Classification: Uncertain significance. Last evaluated: 2025-05-19. Review status: criteria provided, single submitter. Criteria: Quest Diagnostics criteria. Collection method: clinical testing. Allele origin: unknown.

Labcorp Genetics (formerly Invitae), Labcorp
Classification: Uncertain significance for Neurofibromatosis, type 1. Last evaluated: 2022-07-02. Review status: criteria provided, single submitter. Criteria: Invitae Variant Classification Sherloc (09022015). Collection method: clinical testing. Allele origin: germline.
Comment: In summary, the available evidence is currently insufficient to determine the role of this variant in disease. Therefore, it has been classified as a Variant of Uncertain Significance. Algorithms developed to predict the effect of missense changes on protein structure and function (SIFT, PolyPhen-2, Align-GVGD) all suggest that this variant is likely to be tolerated. This variant has not been reported in the literature in individuals affected with NF1-related conditions. This variant is not present in population databases (gnomAD no frequency). This sequence change replaces asparagine, which is neutral and polar, with lysine, which is basic and polar, at codon 1379 of the NF1 protein (p.Asn1379Lys).